The following is an entry in ClinVar:

ClinVar aggregate classification (germline): Benign. Review status: criteria provided, multiple submitters, no conflicts (2 of 4 stars). 2 submissions from 2 submitters: Benign (2). Last evaluated 2026-01-19.

Allele frequency attached by ClinVar (database versions not stated): gnomAD below 0.00001 and 0.00032; TOPMed 0.00006; gnomAD exomes 0.00051 and 0.00101; ExAC 0.00121; 1000 Genomes Project 30x 0.00187; 1000 Genomes Project 0.00220.
gnomAD v4.1: 795 of 1,614,258 alleles (0.049%); highest among the groups gnomAD compares: South Asian, 0.83%; 14 homozygotes.

Submissions (2):

Labcorp Genetics (formerly Invitae), Labcorp
Classification: Benign. Last evaluated: 2026-01-19. Review status: criteria provided, single submitter. Criteria: Invitae Variant Classification Sherloc (09022015). Collection method: clinical testing. Allele origin: germline.

CeGaT Center for Human Genetics Tuebingen
Classification: Benign. Last evaluated: 2022-10-01. Review status: criteria provided, single submitter. Criteria: CeGaT Center For Human Genetics Tuebingen Variant Classification Criteria Version 2. Collection method: clinical testing. Allele origin: germline. Affected: yes. Observed: 1 variant allele.
Comment: SON: BS1, BS2

NM_138927.4(SON):c.657A>G (p.Thr219=)

Gene: SON (SON DNA and RNA binding protein; plus strand). Cytogenetic location: 21q22.11.
Variant type: single nucleotide variant.
Coding change: c.657A>G on transcript NM_138927.4 (MANE Select); coding-DNA position 657, A replaced by G.
Protein change: p.Thr219=; no amino-acid change (threonine 219 retained).
Molecular consequence: synonymous variant. On other transcripts: non-coding transcript variant (1), intron variant (1).
Genome position (GRCh38, 1-based): chr21:33,549,888, A>G. VCF-style: chr21-33549888-A-G. GRCh37 (hg19) VCF-style: chr21-34922194-A-G.
Other names: c.657A>G, p.Thr219= (NM_001291411.2, NM_032195.3); c.244+3509A>G (NM_001291412.3).
Identifiers: ClinVar variation 756320 (VCV000756320.33), dbSNP rs556021439, ClinGen allele CA10008729.
Genomic context (GRCh38, chr21:33,549,888, plus strand): 5'-ACACATCTTAGAAACTCTGAAGCCAGCTACAAAAACTGCAGAACTGTCAGTTGTATCTAC[A>G]TCAGTAATCTCAGAGCAGTCAGAGCAGTCTGTGGCAGTAATGCCAGAACCATCCATGACA-3'
Protein context (NP_620305.3, residues 209-229): TKTAELSVVS[Thr219=]SVISEQSEQS